The following is an entry in ClinVar:

NM_000553.6(WRN):c.2449-3C>T

Gene: WRN (WRN RecQ like helicase; plus strand). Cytogenetic location: 8p12.
Variant type: single nucleotide variant.
Coding change: c.2449-3C>T on transcript NM_000553.6 (MANE Select); 3 bases into the intron before coding-DNA position 2449, C replaced by T.
Molecular consequence: intron variant.
Genome position (GRCh38, 1-based): chr8:31,120,240, C>T. VCF-style: chr8-31120240-C-T. GRCh37 (hg19) VCF-style: chr8-30977756-C-T.
Identifiers: ClinVar variation 838273 (VCV000838273.6), dbSNP rs1801670868, ClinGen allele CA916081500.

ClinVar aggregate classification (germline): Uncertain significance (1 of 4 stars; one submission).

Conditions:
Werner syndrome (WRN). Identifiers: Orphanet 902, MedGen C0043119, MONDO:0010196, OMIM 277700.

Allele frequency attached by ClinVar (database versions not stated): gnomAD exomes below 0.00001.
gnomAD v4.1: 1 of 1,612,332 alleles (0.000062%); highest among the groups gnomAD compares: African/African-American, 0.0013%; no homozygotes.

Submission:

Labcorp Genetics (formerly Invitae), Labcorp
Classification: Uncertain significance for Werner syndrome. Last evaluated: 2023-08-04. Review status: criteria provided, single submitter. Criteria: Invitae Variant Classification Sherloc (09022015). Collection method: clinical testing. Allele origin: germline.
Comment: Variants that disrupt the consensus splice site are a relatively common cause of aberrant splicing (PMID: 17576681, 9536098). Algorithms developed to predict the effect of sequence changes on RNA splicing suggest that this variant is not likely to affect RNA splicing. ClinVar contains an entry for this variant (Variation ID: 838273). This variant has not been reported in the literature in individuals affected with WRN-related conditions. This variant is not present in population databases (gnomAD no frequency). This sequence change falls in intron 20 of the WRN gene. It does not directly change the encoded amino acid sequence of the WRN protein. It affects a nucleotide within the consensus splice site. In summary, the available evidence is currently insufficient to determine the role of this variant in disease. Therefore, it has been classified as a Variant of Uncertain Significance.

Literature cited by the submitters: PubMed 17576681; PubMed 9536098.